The following is an entry in ClinVar:

ClinVar aggregate classification (germline): Uncertain significance (1 of 4 stars; one submission).

Conditions:
Glycogen storage disease due to lactate dehydrogenase M-subunit deficiency (GSD11). Also called: Glycogen storage disease XI; GSD XI; LACTATE DEHYDROGENASE A DEFICIENCY. Identifiers: Orphanet 284426, MedGen C2931743, MONDO:0013047, OMIM 612933.

Allele frequency attached by ClinVar (database versions not stated): ExAC 0.00001; gnomAD 0.00001; gnomAD exomes 0.00002; TOPMed 0.00004.
gnomAD v4.1: 27 of 1,611,588 alleles (0.0017%); highest among the groups gnomAD compares: East Asian, 0.0022%; no homozygotes.

Submission:

Labcorp Genetics (formerly Invitae), Labcorp
Classification: Uncertain significance for Glycogen storage disease due to lactate dehydrogenase M-subunit deficiency. Last evaluated: 2022-06-29. Review status: criteria provided, single submitter. Criteria: Invitae Variant Classification Sherloc (09022015). Collection method: clinical testing. Allele origin: germline.
Comment: This sequence change replaces glycine, which is neutral and non-polar, with serine, which is neutral and polar, at codon 162 of the LDHA protein (p.Gly162Ser). This variant is present in population databases (rs762771019, gnomAD 0.007%). This variant has not been reported in the literature in individuals affected with LDHA-related conditions. Algorithms developed to predict the effect of missense changes on protein structure and function are either unavailable or do not agree on the potential impact of this missense change (SIFT: "Tolerated"; PolyPhen-2: "Probably Damaging"; Align-GVGD: "Class C0"). In summary, the available evidence is currently insufficient to determine the role of this variant in disease. Therefore, it has been classified as a Variant of Uncertain Significance.

NM_005566.4(LDHA):c.484G>A (p.Gly162Ser)

Gene: LDHA (lactate dehydrogenase A; plus strand). Cytogenetic location: 11p15.1.
Variant type: single nucleotide variant.
Coding change: c.484G>A on transcript NM_005566.4 (MANE Select); coding-DNA position 484, G replaced by A.
Protein change: p.Gly162Ser; replaces glycine 162 with serine.
Molecular consequence: missense variant. On other transcripts: non-coding transcript variant (1).
Genome position (GRCh38, 1-based): chr11:18,402,905, G>A. VCF-style: chr11-18402905-G-A. GRCh37 (hg19) VCF-style: chr11-18424452-G-A.
Other names: c.310G>A, p.Gly104Ser (NM_001135239.2); c.571G>A, p.Gly191Ser (NM_001165414.2); c.484G>A, p.Gly162Ser (NM_001165415.2, NM_001165416.2); short protein forms G162S, G104S, G191S.
Identifiers: ClinVar variation 1979044 (VCV001979044.1), dbSNP rs762771019, ClinGen allele CA5911310.